The following is an entry in ClinVar:

NM_003848.4(SUCLG2):c.718G>A (p.Val240Met)

Gene: SUCLG2 (succinate-CoA ligase GDP-forming subunit beta; minus strand). Cytogenetic location: 3p14.1.
Variant type: single nucleotide variant.
Coding change: c.718G>A on transcript NM_003848.4 (MANE Select); coding-DNA position 718, G replaced by A.
Protein change: p.Val240Met; replaces valine 240 with methionine.
Molecular consequence: missense variant.
Genome position (GRCh38, 1-based): chr3:67,508,846, C>T on the plus strand (G>A on the coding strand, the complement: SUCLG2 is on the minus strand). VCF-style: chr3-67508846-C-T. GRCh37 (hg19) VCF-style: chr3-67559270-C-T.
Other names: c.718G>A, p.Val240Met (NM_001177599.2); short protein forms V240M.
Identifiers: ClinVar variation 3697412 (VCV003697412.2).

ClinVar aggregate classification (germline): Uncertain significance (1 of 4 stars; one submission).

Submission:

Labcorp Genetics (formerly Invitae), Labcorp
Classification: Uncertain significance. Last evaluated: 2024-09-24. Review status: criteria provided, single submitter. Criteria: Invitae Variant Classification Sherloc (09022015). Collection method: clinical testing. Allele origin: germline.
Comment: This sequence change replaces valine, which is neutral and non-polar, with methionine, which is neutral and non-polar, at codon 240 of the SUCLG2 protein (p.Val240Met). This variant is not present in population databases (gnomAD no frequency). This variant has not been reported in the literature in individuals affected with SUCLG2-related conditions. An algorithm developed to predict the effect of missense changes on protein structure and function (PolyPhen-2) suggests that this variant is likely to be disruptive. In summary, the available evidence is currently insufficient to determine the role of this variant in disease. Therefore, it has been classified as a Variant of Uncertain Significance.